The following is an entry in ClinVar:

ClinVar aggregate classification (germline): Likely benign. Review status: criteria provided, multiple submitters, no conflicts (2 of 4 stars). 2 submissions from 2 submitters: Likely benign (2). Last evaluated 2026-01-16.

Conditions:
BAAT-related disorder. Also called: BAAT-related condition.

Submissions (2):

Labcorp Genetics (formerly Invitae), Labcorp
Classification: Likely benign. Last evaluated: 2026-01-16. Review status: criteria provided, single submitter. Criteria: Invitae Variant Classification Sherloc (09022015). Collection method: clinical testing. Allele origin: germline.

PreventionGenetics, part of Exact Sciences
Classification: Likely benign for BAAT-related condition. Last evaluated: 2025-12-23. Review status: criteria provided, single submitter. Criteria: ACMG Guidelines, 2015. Collection method: clinical testing. Allele origin: germline.
Comment: This variant is classified as likely benign based on ACMG/AMP sequence variant interpretation guidelines (Richards et al. 2015 PMID: 25741868, with internal and published modifications).

NM_001701.4(BAAT):c.1188A>G (p.Glu396=)

Gene: BAAT (bile acid-CoA:amino acid N-acyltransferase; minus strand). Cytogenetic location: 9q31.1.
Variant type: single nucleotide variant.
Coding change: c.1188A>G on transcript NM_001701.4 (MANE Select); coding-DNA position 1188, A replaced by G.
Protein change: p.Glu396=; no amino-acid change (glutamic acid 396 retained).
Molecular consequence: synonymous variant.
Genome position (GRCh38, 1-based): chr9:101,362,497, T>C on the plus strand (A>G on the coding strand, the complement: BAAT is on the minus strand). VCF-style: chr9-101362497-T-C. GRCh37 (hg19) VCF-style: chr9-104124779-T-C.
Other names: c.1188A>G, p.Glu396= (NM_001127610.2, NM_001374715.1); c.1188A>G (NM_001701.3).
Identifiers: ClinVar variation 4765203 (VCV004765203.2).
Genomic context (GRCh38, chr9:101,362,497, plus strand): 5'-ACTGGTCACATCTGGAATGAGGTGCTTCCTGAGAAATCTCTGGATCTCCTTCCAAGCATG[T>C]TCCTGTGCAGCTGCGTGTGGGATCACCTCTCCTCCCCAGTGTAACCTCAAATCGTGGGTC-3'
Protein context (NP_001692.1, residues 386-406): GEVIPHAAAQ[Glu396=]HAWKEIQRFL